The following is an entry in ClinVar:

ClinVar aggregate classification (germline): Likely pathogenic (1 of 4 stars; one submission).

Conditions:
Autosomal recessive nonsyndromic hearing loss 23. Identifiers: Orphanet 90636, MedGen C1836027, MONDO:0012293, OMIM 609533.

Submission:

Institute of Rare Diseases, West China Hospital, Sichuan University
Classification: Likely pathogenic for Autosomal recessive nonsyndromic hearing loss 23. Last evaluated: 2025-01-09. Review status: criteria provided, single submitter. Criteria: ClinGen HL ACMG Specifications v1. Collection method: research. Allele origin: germline. Affected: yes.
Comment: PVS1;PM2_Supporting

NM_001384140.1(PCDH15):c.1306-1G>A

Gene: PCDH15 (protocadherin related 15; minus strand). Cytogenetic location: 10q21.1.
Variant type: single nucleotide variant.
Coding change: c.1306-1G>A on transcript NM_001384140.1 (MANE Select); the canonical splice acceptor site of the intron before coding-DNA position 1306, G replaced by A.
Molecular consequence: splice acceptor variant.
Genome position (GRCh38, 1-based): chr10:54,185,269, C>T on the plus strand (G>A on the coding strand, the complement: PCDH15 is on the minus strand). VCF-style: chr10-54185269-C-T. GRCh37 (hg19) VCF-style: chr10-55945029-C-T.
Other names: c.1306-1G>A (NM_001354420.2, NM_001354429.2, NM_001142772.2 and 6 more transcripts); c.1321-1G>A (NM_001142771.2, NM_001142763.2); c.1327-1G>A (NM_001354411.2); c.1342-1G>A (NM_001142769.3); c.1240-1G>A (NM_001354404.2, NM_001142773.2, NM_001142768.2); c.1195-1G>A (NM_001142767.2).
Identifiers: ClinVar variation 3601603 (VCV003601603.1).